The following is an entry in ClinVar:

NM_000466.3(PEX1):c.2514_2517del (p.Trp839fs)

Gene: PEX1 (peroxisomal biogenesis factor 1; minus strand). Cytogenetic location: 7q21.2.
Variant type: Deletion.
Coding change: c.2514_2517del on transcript NM_000466.3 (MANE Select); coding-DNA positions 2514 to 2517, 4 bases deleted (TTGG; older notation c.2514_2517delTTGG).
Protein change: p.Trp839fs; shifts the reading frame from tryptophan 839.
Molecular consequence: frameshift variant.
Genome position (GRCh38, 1-based): chr7:92,501,573-92,501,576, CCAA deleted on the plus strand (TTGG on the coding strand, the reverse complement: PEX1 is on the minus strand); deleting any 4 consecutive bases within chr7:92,501,573-92,501,578 gives the same sequence; the c. name uses the placement nearest the transcript's 3' end. VCF-style (leftmost placement, unchanged base first): chr7-92501572-CCCAA-C. GRCh37 (hg19) VCF-style: chr7-92130886-CCCAA-C.
Other names: c.2343_2346del, p.Trp782fs (NM_001282677.2); c.1890_1893del, p.Trp631fs (NM_001282678.2); short protein forms W631fs, W782fs, W839fs.
Identifiers: ClinVar variation 5011312 (VCV005011312.1).

ClinVar aggregate classification (germline): Pathogenic (1 of 4 stars; one submission).

Conditions:
Peroxisome biogenesis disorder. Identifiers: Orphanet 79189, MedGen C1832200, MONDO:0019234. Disease mechanism: loss of function.

Submission:

Myriad Genetics, Inc.
Classification: Pathogenic for Peroxisome biogenesis disorder. Last evaluated: 2023-08-10. Review status: criteria provided, single submitter. Criteria: Myriad Autosomal Dominant, Autosomal Recessive and X-Linked Classification Criteria (2023). Collection method: clinical testing. Allele origin: unknown.
Comment: NM_000466.2(PEX1):c.2514_2517delTTGG(W839Tfs*51) is expected to be pathogenic in the context of peroxisome biogenesis disorder type 1. This variant is predicted to lead to an abnormal or absent protein product due to the creation of a premature termination codon in PEX1, a gene where loss-of-function variants are known to be pathogenic. Please note: this variant was assessed in the context of healthy population screening.